The following is an entry in ClinVar:

ClinVar aggregate classification (germline): Pathogenic (1 of 4 stars; one submission).

Submission:

Labcorp Genetics (formerly Invitae), Labcorp
Classification: Pathogenic. Last evaluated: 2025-04-09. Review status: criteria provided, single submitter. Criteria: Invitae Variant Classification Sherloc (09022015). Collection method: clinical testing. Allele origin: germline.
Comment: This sequence change creates a premature translational stop signal (p.Glu1370*) in the SPTB gene. It is expected to result in an absent or disrupted protein product. Loss-of-function variants in SPTB are known to be pathogenic (PMID: 1391962, 1498324, 8844207, 26830532, 27292444). This variant is not present in population databases (gnomAD no frequency). This variant has not been reported in the literature in individuals affected with SPTB-related conditions. For these reasons, this variant has been classified as Pathogenic.

Literature cited by the submitters: PubMed 1391962; PubMed 1498324; PubMed 8844207; PubMed 26830532; PubMed 27292444.

NM_001355436.2(SPTB):c.4108G>T (p.Glu1370Ter)

Gene: SPTB (spectrin beta, erythrocytic; minus strand). Cytogenetic location: 14q23.3.
Variant type: single nucleotide variant.
Coding change: c.4108G>T on transcript NM_001355436.2 (MANE Select); coding-DNA position 4108, G replaced by T.
Protein change: p.Glu1370Ter; replaces glutamic acid 1370 with a stop codon.
Molecular consequence: nonsense.
Genome position (GRCh38, 1-based): chr14:64,782,448, C>A on the plus strand (G>T on the coding strand, the complement: SPTB is on the minus strand). VCF-style: chr14-64782448-C-A. GRCh37 (hg19) VCF-style: chr14-65249166-C-A.
Other names: c.4108G>T, p.Glu1370Ter (NM_001024858.4, NM_001355437.2); short protein forms E1370*.
Identifiers: ClinVar variation 4716965 (VCV004716965.1).